The following is an entry in ClinVar:

ClinVar aggregate classification (germline): Benign (1 of 4 stars; one submission).

Conditions:
Colorectal cancer, hereditary nonpolyposis, type 7. Identifiers: Orphanet 144, MedGen C1858380, MONDO:0013725, OMIM 614385.

Submission:

Myriad Genetics, Inc.
Classification: Benign for Colorectal cancer, hereditary nonpolyposis, type 7. Last evaluated: 2026-09-18. Review status: criteria provided, single submitter. Criteria: Myriad Autosomal Dominant, Autosomal Recessive and X-Linked Classification Criteria (2023). Collection method: clinical testing. Allele origin: unknown.
Comment: This variant is considered benign. This variant is a silent/synonymous amino acid change and it is not expected to impact splicing.

NM_001040108.2(MLH3):c.1902T>G (p.Gly634=)

Gene: MLH3 (mutL homolog 3; minus strand). Cytogenetic location: 14q24.3.
Variant type: single nucleotide variant.
Coding change: c.1902T>G on transcript NM_001040108.2 (MANE Select); coding-DNA position 1902, T replaced by G.
Protein change: p.Gly634=; no amino-acid change (glycine 634 retained).
Molecular consequence: synonymous variant.
Genome position (GRCh38, 1-based): chr14:75,047,754, A>C on the plus strand (T>G on the coding strand, the complement: MLH3 is on the minus strand). VCF-style: chr14-75047754-A-C. GRCh37 (hg19) VCF-style: chr14-75514457-A-C.
Other names: c.1902T>G, p.Gly634= (NM_014381.3).
Identifiers: ClinVar variation 5042144 (VCV005042144.1).